The following is an entry in ClinVar:

ClinVar aggregate classification (germline): Benign/Likely benign. Review status: criteria provided, multiple submitters, no conflicts (2 of 4 stars). 4 submissions from 4 submitters: Benign (1); Likely benign (3). Last evaluated 2025-04-21.

Conditions:
Hereditary cancer-predisposing syndrome. Also called: Tumor predisposition; Neoplastic Syndromes, Hereditary; Hereditary neoplastic syndrome; Hereditary Cancer Syndrome. Identifiers: Orphanet 140162, MedGen C0027672, MeSH D009386, MONDO:0015356.
BAP1-related tumor predisposition syndrome (TPDS1). Also called: Tumor susceptibility linked to germline BAP1 mutations; BAP1 tumor predisposition syndrome; COMMON Syndrome; TUMOR PREDISPOSITION SYNDROME 1. Identifiers: Orphanet 289539, MedGen C3280492, MONDO:0013692, OMIM 614327.

Submissions (4):

Labcorp Genetics (formerly Invitae), Labcorp
Classification: Likely benign for BAP1-related tumor predisposition syndrome. Last evaluated: 2025-04-21. Review status: criteria provided, single submitter. Criteria: Invitae Variant Classification Sherloc (09022015). Collection method: clinical testing. Allele origin: germline.

Myriad Genetics, Inc.
Classification: Benign for BAP1-related tumor predisposition syndrome. Last evaluated: 2024-07-11. Review status: criteria provided, single submitter. Criteria: Myriad Autosomal Dominant, Autosomal Recessive and X-Linked Classification Criteria (2023). Collection method: clinical testing. Allele origin: unknown.
Comment: This variant is considered benign. This variant is a silent/synonymous amino acid change and it is not expected to impact splicing.

Ambry Genetics
Classification: Likely benign for Hereditary cancer-predisposing syndrome. Last evaluated: 2020-06-26. Review status: criteria provided, single submitter. Criteria: Ambry Variant Classification Scheme 2023. Collection method: clinical testing. Allele origin: germline.

Color Diagnostics, LLC DBA Color Health
Classification: Likely benign for Hereditary cancer-predisposing syndrome. Last evaluated: 2018-01-19. Review status: criteria provided, single submitter. Criteria: ACMG Guidelines, 2015. Collection method: clinical testing. Allele origin: germline.

NM_004656.4(BAP1):c.216T>A (p.Ile72=)

Gene: BAP1 (BRCA1 associated deubiquitinase 1; minus strand). Cytogenetic location: 3p21.1.
Variant type: single nucleotide variant.
Coding change: c.216T>A on transcript NM_004656.4 (MANE Select); coding-DNA position 216, T replaced by A.
Protein change: p.Ile72=; no amino-acid change (isoleucine 72 retained).
Molecular consequence: synonymous variant.
Genome position (GRCh38, 1-based): chr3:52,408,513, A>T on the plus strand (T>A on the coding strand, the complement: BAP1 is on the minus strand). VCF-style: chr3-52408513-A-T. GRCh37 (hg19) VCF-style: chr3-52442529-A-T.
Identifiers: ClinVar variation 631182 (VCV000631182.8), dbSNP rs1257200755, ClinGen allele CA433778148.